The following is an entry in ClinVar:

ClinVar aggregate classification (germline): Uncertain significance (1 of 4 stars; one submission).

Allele frequency attached by ClinVar (database versions not stated): gnomAD exomes below 0.00001; gnomAD 0.00001; TOPMed 0.00002.
gnomAD v4.1: 2 of 1,606,954 alleles (0.00012%); highest among the groups gnomAD compares: Non-Finnish European, 0.00017%; no homozygotes.

Submission:

Labcorp Genetics (formerly Invitae), Labcorp
Classification: Uncertain significance. Last evaluated: 2024-05-06. Review status: criteria provided, single submitter. Criteria: Invitae Variant Classification Sherloc (09022015). Collection method: clinical testing. Allele origin: germline.
Comment: This sequence change replaces arginine, which is basic and polar, with cysteine, which is neutral and slightly polar, at codon 1071 of the PHIP protein (p.Arg1071Cys). This variant is not present in population databases (gnomAD no frequency). This variant has not been reported in the literature in individuals affected with PHIP-related conditions. Advanced modeling of protein sequence and biophysical properties (such as structural, functional, and spatial information, amino acid conservation, physicochemical variation, residue mobility, and thermodynamic stability) performed at Invitae indicates that this missense variant is not expected to disrupt PHIP protein function with a negative predictive value of 80%. In summary, the available evidence is currently insufficient to determine the role of this variant in disease. Therefore, it has been classified as a Variant of Uncertain Significance.

NM_017934.7(PHIP):c.3211C>T (p.Arg1071Cys)

Genes: IRAK1BP1 (interleukin 1 receptor associated kinase 1 binding protein 1; plus strand), PHIP (PHIP subunit of CUL4-Ring ligase complex; minus strand). Cytogenetic location: 6q14.1.
Variant type: single nucleotide variant.
Coding change: c.3211C>T on transcript NM_017934.7 (MANE Select); coding-DNA position 3211, C replaced by T.
Protein change: p.Arg1071Cys; replaces arginine 1071 with cysteine.
Molecular consequence: missense variant.
Genome position (GRCh38, 1-based): chr6:78,966,051, G>A on the plus strand (C>T on the coding strand, the complement: PHIP is on the minus strand). VCF-style: chr6-78966051-G-A. GRCh37 (hg19) VCF-style: chr6-79675768-G-A.
Other names: short protein forms R1071C.
Identifiers: ClinVar variation 2798583 (VCV002798583.3), dbSNP rs767585110, ClinGen allele CA141864486.